The following is an entry in ClinVar:

ClinVar aggregate classification (germline): Likely benign (1 of 4 stars; one submission).

Submission:

Women's Health and Genetics/Laboratory Corporation of America, LabCorp
Classification: Likely benign. Last evaluated: 2024-01-08. Review status: criteria provided, single submitter. Criteria: LabCorp Variant Classification Summary - May 2015. Collection method: clinical testing. Allele origin: germline.
Comment: Variant summary: PPP2R1A c.78+76_78+77delTC is located at a position not widely known to affect splicing. Consensus agreement among computation tools predict no significant impact on normal splicing. However, these predictions have yet to be confirmed by functional studies. The variant was absent in 133918 control chromosomes. The available data on variant occurrences in the general population are insufficient to allow any conclusion about variant significance. To our knowledge, no occurrence of c.78+76_78+77delTC in individuals affected with Mental Retardation, Autosomal Dominant 36 and no experimental evidence demonstrating its impact on protein function have been reported. No submitters have cited clinical-significance assessments for this variant to ClinVar. Based on the evidence outlined above, the variant was classified as likely benign.

NM_014225.6(PPP2R1A):c.78+76_78+77del

Gene: PPP2R1A (protein phosphatase 2 scaffold subunit Aalpha; plus strand). Cytogenetic location: 19q13.41.
Variant type: Deletion.
Coding change: c.78+76_78+77del on transcript NM_014225.6 (MANE Select); bases 76 to 77 of the intron after coding-DNA position 78, 2 bases deleted (TC; older notation c.78+76_78+77delTC).
Molecular consequence: intron variant.
Genome position (GRCh38, 1-based): chr19:52,190,250-52,190,251, TC deleted; deleting any 2 consecutive bases within chr19:52,190,249-52,190,251 gives the same sequence; the c. name uses the placement nearest the transcript's 3' end. VCF-style (leftmost placement, unchanged base first): chr19-52190248-ACT-A. GRCh37 (hg19) VCF-style: chr19-52693501-ACT-A.
Other names: c.78+76_78+77delTC (NM_014225.6).
Identifiers: ClinVar variation 3063813 (VCV003063813.1), dbSNP rs2089439928, ClinGen allele CA2341728262.